The following is an entry in ClinVar:

NM_019892.6(INPP5E):c.865G>A (p.Glu289Lys)

Gene: INPP5E (inositol polyphosphate-5-phosphatase E; minus strand). Cytogenetic location: 9q34.3.
Variant type: single nucleotide variant.
Coding change: c.865G>A on transcript NM_019892.6 (MANE Select); coding-DNA position 865, G replaced by A.
Protein change: p.Glu289Lys; replaces glutamic acid 289 with lysine.
Molecular consequence: missense variant.
Genome position (GRCh38, 1-based): chr9:136,434,811, C>T on the plus strand (G>A on the coding strand, the complement: INPP5E is on the minus strand). VCF-style: chr9-136434811-C-T. GRCh37 (hg19) VCF-style: chr9-139329263-C-T.
Other names: c.865G>A, p.Glu289Lys (NM_001318502.2); short protein forms E289K.
Identifiers: ClinVar variation 5017972 (VCV005017972.1).

ClinVar aggregate classification (germline): Uncertain significance (1 of 4 stars; one submission).

Submission:

GeneDx
Classification: Uncertain significance. Last evaluated: 2026-03-31. Review status: criteria provided, single submitter. Criteria: GeneDx Variant Classification Process June 2021. Collection method: clinical testing. Allele origin: germline.
Comment: Not observed at significant frequency in large population cohorts (gnomAD); In silico analysis supports that this missense variant has a deleterious effect on protein structure/function; Has not been previously published as pathogenic or benign to our knowledge; This variant is associated with the following publications: (PMID: 23386033)